The following is an entry in ClinVar:

NM_033026.6(PCLO):c.11723A>G (p.His3908Arg)

Gene: PCLO (piccolo presynaptic cytomatrix protein; minus strand). Cytogenetic location: 7q21.11.
Variant type: single nucleotide variant.
Coding change: c.11723A>G on transcript NM_033026.6 (MANE Select); coding-DNA position 11723, A replaced by G.
Protein change: p.His3908Arg; replaces histidine 3908 with arginine.
Molecular consequence: missense variant.
Genome position (GRCh38, 1-based): chr7:82,916,263, T>C on the plus strand (A>G on the coding strand, the complement: PCLO is on the minus strand). VCF-style: chr7-82916263-T-C. GRCh37 (hg19) VCF-style: chr7-82545579-T-C.
Other names: c.11723A>G, p.His3908Arg (NM_014510.3); short protein forms H3908R.
Identifiers: ClinVar variation 2068626 (VCV002068626.4), dbSNP rs2535554282, ClinGen allele CA367893179.

ClinVar aggregate classification (germline): Uncertain significance (1 of 4 stars; one submission).

Submission:

Labcorp Genetics (formerly Invitae), Labcorp
Classification: Uncertain significance. Last evaluated: 2023-07-10. Review status: criteria provided, single submitter. Criteria: Invitae Variant Classification Sherloc (09022015). Collection method: clinical testing. Allele origin: germline.
Comment: In summary, the available evidence is currently insufficient to determine the role of this variant in disease. Therefore, it has been classified as a Variant of Uncertain Significance. Experimental studies and prediction algorithms are not available or were not evaluated, and the functional significance of this variant is currently unknown. ClinVar contains an entry for this variant (Variation ID: 2068626). This variant has not been reported in the literature in individuals affected with PCLO-related conditions. This variant is not present in population databases (gnomAD no frequency). This sequence change replaces histidine, which is basic and polar, with arginine, which is basic and polar, at codon 3908 of the PCLO protein (p.His3908Arg).